The following is an entry in ClinVar:

NM_006415.4(SPTLC1):c.1329-9T>C

Gene: SPTLC1 (serine palmitoyltransferase long chain base subunit 1; minus strand). Cytogenetic location: 9q22.31.
Variant type: single nucleotide variant.
Coding change: c.1329-9T>C on transcript NM_006415.4 (MANE Select); 9 bases into the intron before coding-DNA position 1329, T replaced by C.
Molecular consequence: intron variant.
Genome position (GRCh38, 1-based): chr9:92,032,567, A>G on the plus strand (T>C on the coding strand, the complement: SPTLC1 is on the minus strand). VCF-style: chr9-92032567-A-G. GRCh37 (hg19) VCF-style: chr9-94794849-A-G.
Other names: c.1329-9T>C (LRG_272t1); c.1329-41T>C (NM_001281303.2); c.963-9T>C (NM_001368272.1); c.864-9T>C (NM_001368273.1).
Identifiers: ClinVar variation 380134 (VCV000380134.17), dbSNP rs778388513, ClinGen allele CA5121215.

ClinVar aggregate classification (germline): Conflicting classifications of pathogenicity. Review status: criteria provided, conflicting classifications (1 of 4 stars). 5 submissions from 5 submitters: Uncertain significance (1); Likely benign (4). Last evaluated 2026-01-22.

Conditions:
Neuropathy, hereditary sensory and autonomic, type 1A (HSAN1A). Also called: HSAN IA; HSN IA; NEUROPATHY, HEREDITARY SENSORY RADICULAR, AUTOSOMAL DOMINANT, TYPE 1A; SPTLC1-Related Hereditary Sensory Neuropathy; NEUROPATHY, HEREDITARY SENSORY AND AUTONOMIC, TYPE IA. Identifiers: MedGen C5235211, MONDO:0008086, OMIM 162400.
Hereditary sensory and autonomic neuropathy type 1 (HSAN1). Also called: Hereditary Sensory Neuropathy Type I; HSAN 1; HSN Type I. Identifiers: Orphanet 36386, MedGen C0020071, MONDO:0018213.
SPTLC1-related disorder. Also called: SPTLC1-related condition.

Allele frequency attached by ClinVar (database versions not stated): TOPMed 0.00006; ExAC 0.00006.
gnomAD v4.1: 116 of 1,614,034 alleles (0.0072%); highest among the groups gnomAD compares: Non-Finnish European, 0.0075%; no homozygotes.

Submissions (5):

PreventionGenetics, part of Exact Sciences
Classification: Likely benign for SPTLC1-related condition. Last evaluated: 2026-01-22. Review status: criteria provided, single submitter. Criteria: ACMG Guidelines, 2015. Collection method: clinical testing. Allele origin: germline.
Comment: This variant is classified as likely benign based on ACMG/AMP sequence variant interpretation guidelines (Richards et al. 2015 PMID: 25741868, with internal and published modifications).

Labcorp Genetics (formerly Invitae), Labcorp
Classification: Likely benign for Hereditary sensory and autonomic neuropathy type 1. Last evaluated: 2025-03-30. Review status: criteria provided, single submitter. Criteria: Invitae Variant Classification Sherloc (09022015). Collection method: clinical testing. Allele origin: germline.

Blueprint Genetics
Classification: Likely benign. Last evaluated: 2024-11-22. Review status: criteria provided, single submitter. Criteria: ACMG Guidelines, 2015. Collection method: clinical testing. Allele origin: germline.

Illumina Laboratory Services, Illumina
Classification: Uncertain significance for Neuropathy, hereditary sensory and autonomic, type 1A. Last evaluated: 2018-01-15. Review status: criteria provided, single submitter. Criteria: ICSL Variant Classification Criteria 13 December 2019. Collection method: clinical testing. Allele origin: germline.

GeneDx
Classification: Likely benign. Last evaluated: 2016-08-01. Review status: criteria provided, single submitter. Criteria: GeneDx Variant Classification (06012015). Collection method: clinical testing. Allele origin: germline. Affected: yes.
Comment: This variant is considered likely benign or benign based on one or more of the following criteria: it is a conservative change, it occurs at a poorly conserved position in the protein, it is predicted to be benign by multiple in silico algorithms, and/or has population frequency not consistent with disease.